The following is an entry in ClinVar:

ClinVar aggregate classification (germline): Benign (0 of 4 stars; one submission).

Conditions:
UGT2B17-related disorder. Also called: UGT2B17-related condition.

Allele frequency attached by ClinVar (database versions not stated): ESP Exome Variant Server 0.00059; gnomAD 0.00081; gnomAD exomes 0.00084; ExAC 0.00126.
gnomAD v4.1: 1,133 of 1,380,962 alleles (0.082%); highest among the groups gnomAD compares: Non-Finnish European, 0.073%; 293 homozygotes.

Submission:

PreventionGenetics, part of Exact Sciences
Classification: Benign for UGT2B17-related condition. Last evaluated: 2019-08-26. Review status: no assertion criteria provided. Collection method: clinical testing. Allele origin: germline.
Comment: This variant is classified as benign based on ACMG/AMP sequence variant interpretation guidelines (Richards et al. 2015 PMID: 25741868, with internal and published modifications).

NM_001077.4(UGT2B17):c.326A>C (p.Tyr109Ser)

Gene: UGT2B17 (UDP glucuronosyltransferase family 2 member B17; minus strand). Cytogenetic location: 4q13.2.
Variant type: single nucleotide variant.
Coding change: c.326A>C on transcript NM_001077.4 (MANE Select); coding-DNA position 326, A replaced by C.
Protein change: p.Tyr109Ser; replaces tyrosine 109 with serine.
Molecular consequence: missense variant.
Genome position (GRCh38, 1-based): chr4:68,568,159, T>G on the plus strand (A>C on the coding strand, the complement: UGT2B17 is on the minus strand). VCF-style: chr4-68568159-T-G. GRCh37 (hg19) VCF-style: chr4-69433877-T-G.
Other names: short protein forms Y109S.
Identifiers: ClinVar variation 3052845 (VCV003052845.2), dbSNP rs150774462, ClinGen allele CA2942273.
Genomic context (GRCh38, chr4:68,568,159, plus strand): 5'-TCACAGAGCTTTATATTATAGTCAGAATATTCCCAACACAATTCTTGTAGTTGTGAAAAA[T>G]ATGACCAAAATGTATTTTTTGAAATACTATATGTCCATCTATCGAACATTTTCATAAAAA-3'
Protein context (NP_001068.1, residues 99-119): YSISKNTFWS[Tyr109Ser]FSQLQELCWE